The following is an entry in ClinVar:

NM_017950.4(CCDC40):c.850G>C (p.Asp284His)

Gene: CCDC40 (coiled-coil domain 40 molecular ruler complex subunit; plus strand). Cytogenetic location: 17q25.3.
Variant type: single nucleotide variant.
Coding change: c.850G>C on transcript NM_017950.4 (MANE Select); coding-DNA position 850, G replaced by C.
Protein change: p.Asp284His; replaces aspartic acid 284 with histidine.
Molecular consequence: missense variant.
Genome position (GRCh38, 1-based): chr17:80,048,756, G>C. VCF-style: chr17-80048756-G-C. GRCh37 (hg19) VCF-style: chr17-78022555-G-C.
Other names: c.850G>C, p.Asp284His (NM_001243342.2, NM_001330508.2); short protein forms D284H.
Identifiers: ClinVar variation 260979 (VCV000260979.48), dbSNP rs201042940, ClinGen allele CA8813582.
Genomic context (GRCh38, chr17:80,048,756, plus strand): 5'-TCCGAGGGGAGTGACGAGGAAGCAGAAGACGAAGGGTCCCAGCTGGTGGTTTTGGACCCA[G>C]ACCACGTAAGGAAGCCTTCCCAGGTTTTGCTTTTGCCTACATGGATGGCGAATGACTCAG-3'
Protein context (NP_060420.2, residues 274-294): EGSQLVVLDP[Asp284His]HPLMVRFQAA

ClinVar aggregate classification (germline): Conflicting classifications of pathogenicity. Review status: criteria provided, conflicting classifications (1 of 4 stars). 9 submissions from 9 submitters: Uncertain significance (1); Benign (3); Likely benign (4). 1 of the submissions does not count toward it. Last evaluated 2026-02-01.

Conditions:
Primary ciliary dyskinesia. Also called: Ciliary dyskinesia. Identifiers: Orphanet 244, MedGen C0008780, MONDO:0016575, HP:0012265.
Male infertility. Identifiers: MedGen C0021364, MeSH D007248, MONDO:0005372, HP:0003251.
Primary ciliary dyskinesia 15. Also called: CILIARY DYSKINESIA, PRIMARY, 15, WITH OR WITHOUT SITUS INVERSUS. Identifiers: Orphanet 244, MedGen C3151137, MONDO:0013435, OMIM 613808.

Allele frequency attached by ClinVar (database versions not stated): gnomAD 0.00099; 1000 Genomes Project 30x 0.00125; 1000 Genomes Project 0.00140; TOPMed 0.00148; ESP Exome Variant Server 0.00239; gnomAD exomes 0.00245; ExAC 0.00414.

Submissions (9):

CeGaT Center for Human Genetics Tuebingen
Classification: Likely benign. Last evaluated: 2026-02-01. Review status: criteria provided, single submitter. Criteria: CeGaT Center For Human Genetics Tuebingen Variant Classification Criteria Version 2. Collection method: clinical testing. Allele origin: germline. Affected: yes. Observed: 12 variant alleles.
Comment: CCDC40: BP4, BS2

Labcorp Genetics (formerly Invitae), Labcorp
Classification: Benign for Primary ciliary dyskinesia. Last evaluated: 2026-02-01. Review status: criteria provided, single submitter. Criteria: Invitae Variant Classification Sherloc (09022015). Collection method: clinical testing. Allele origin: germline.

Blueprint Genetics
Classification: Likely benign. Last evaluated: 2024-11-27. Review status: criteria provided, single submitter. Criteria: ACMG Guidelines, 2015. Collection method: clinical testing. Allele origin: germline.

GeneDx
Classification: Likely benign. Last evaluated: 2020-03-11. Review status: criteria provided, single submitter. Criteria: GeneDx Variant Classification Process June 2021. Collection method: clinical testing. Allele origin: germline. Affected: yes.
Comment: This variant is associated with the following publications: (PMID: 33574797)

Illumina Laboratory Services, Illumina
Classification: Uncertain significance for Primary ciliary dyskinesia 15. Last evaluated: 2018-01-12. Review status: criteria provided, single submitter. Criteria: ICSL Variant Classification Criteria 13 December 2019. Collection method: clinical testing. Allele origin: germline.

Laboratory for Molecular Medicine, Mass General Brigham Personalized Medicine
Classification: Benign. Last evaluated: 2017-03-20. Review status: criteria provided, single submitter. Criteria: LMM Criteria. Collection method: clinical testing. Allele origin: germline. Observed: 1 variant allele.
Comment: p.Asp284His in exon 5 of CCDC40: This variant is not expected to have clinical s ignificance because it has been identified in 1% (129/1262) of South Asian chrom osomes by the Exome Aggregation Consortium (ExAC ; dbSNP rs201042940).

Ambry Genetics
Classification: Benign for Primary ciliary dyskinesia. Last evaluated: 2016-09-15. Review status: criteria provided, single submitter. Criteria: Ambry Variant Classification Scheme 2023. Collection method: clinical testing. Allele origin: germline.

PreventionGenetics, part of Exact Sciences
Classification: Likely benign. Review status: criteria provided, single submitter. Criteria: ACMG Guidelines, 2015. Collection method: clinical testing. Allele origin: germline.

MAGI's Lab - Research, MAGI Group
Classification: Uncertain significance for Male infertility. Review status: no assertion criteria provided. Collection method: provider interpretation. Allele origin: germline. Affected: yes. Not counted in ClinVar's aggregate classification.

Literature cited by the submitters: DOI 10.3389/fendo.2020.605237 (cited by MAGI's Lab - Research, MAGI Group).